The following is an entry in ClinVar:

ClinVar aggregate classification (germline): Uncertain significance (1 of 4 stars; one submission).

gnomAD v4.1: 1 of 1,614,212 alleles (0.000062%); highest among the groups gnomAD compares: Non-Finnish European, 0.000085%; no homozygotes.

Submission:

CeGaT Center for Human Genetics Tuebingen
Classification: Uncertain significance. Last evaluated: 2023-11-01. Review status: criteria provided, single submitter. Criteria: CeGaT Center For Human Genetics Tuebingen Variant Classification Criteria Version 2. Collection method: clinical testing. Allele origin: germline. Affected: yes. Observed: 1 variant allele.
Comment: SPTAN1: PM2

NM_001130438.3(SPTAN1):c.3985G>A (p.Asp1329Asn)

Gene: SPTAN1 (spectrin alpha, non-erythrocytic 1; plus strand). Cytogenetic location: 9q34.11.
Variant type: single nucleotide variant.
Coding change: c.3985G>A on transcript NM_001130438.3 (MANE Select); coding-DNA position 3985, G replaced by A.
Protein change: p.Asp1329Asn; replaces aspartic acid 1329 with asparagine.
Molecular consequence: missense variant.
Genome position (GRCh38, 1-based): chr9:128,605,416, G>A. VCF-style: chr9-128605416-G-A. GRCh37 (hg19) VCF-style: chr9-131367695-G-A.
Other names: c.3925G>A, p.Asp1309Asn (NM_001195532.2, NM_001363765.2, NM_001375314.2); c.3985G>A, p.Asp1329Asn (NM_001363759.2, NM_001375310.1, NM_001375311.2 and 2 more transcripts); c.4021G>A, p.Asp1341Asn (NM_001375312.2, NM_001375318.1); short protein forms D1309N, D1329N, D1341N.
Identifiers: ClinVar variation 2673194 (VCV002673194.23), dbSNP rs1368132952, ClinGen allele CA375065323.
Genomic context (GRCh38, chr9:128,605,416, plus strand): 5'-GACCTGCAGGAAAAGTGCACAGAGTTAAACCAGGCCTGGAGCAGCCTGGGGAAACGTGCA[G>A]ATCAGCGCAAGGCAAAGTTGGGTGACTCCCACGACCTGCAGCGCTTCCTTAGCGATTTCC-3'
Protein context (NP_001123910.1, residues 1319-1339): QAWSSLGKRA[Asp1329Asn]QRKAKLGDSH